The following is an entry in ClinVar:

NM_005609.4(PYGM):c.1709G>A (p.Arg570Gln)

Gene: PYGM (glycogen phosphorylase, muscle associated; minus strand). Cytogenetic location: 11q13.1.
Variant type: single nucleotide variant.
Coding change: c.1709G>A on transcript NM_005609.4 (MANE Select); coding-DNA position 1709, G replaced by A.
Protein change: p.Arg570Gln; replaces arginine 570 with glutamine.
Molecular consequence: missense variant.
Genome position (GRCh38, 1-based): chr11:64,751,983, C>T on the plus strand (G>A on the coding strand, the complement: PYGM is on the minus strand). VCF-style: chr11-64751983-C-T. GRCh37 (hg19) VCF-style: chr11-64519455-C-T.
Other names: c.1709G>A (NM_005609.3); c.1445G>A, p.Arg482Gln (NM_001164716.1); short protein forms R482Q, R570Q.
Identifiers: ClinVar variation 1520760 (VCV001520760.13), dbSNP rs143550601, ClinGen allele CA6079774.
Genomic context (GRCh38, chr11:64,751,983, plus strand): 5'-CGGTTGTACAGGGTGATGACATGGAGGCAGTTGAGGAGCTGTCGTTTATATTCGTGAATC[C>T]GCTTCACCTGGATGTCGAAGAGTGAGTTGGGGTTGATGTGGACTTTGTATTCCCTCTCTA-3'
Protein context (NP_005600.1, residues 560-580): PNSLFDIQVK[Arg570Gln]IHEYKRQLLN

ClinVar aggregate classification (germline): Pathogenic/Likely pathogenic. Review status: criteria provided, multiple submitters, no conflicts (2 of 4 stars). 7 submissions from 7 submitters: Pathogenic (2); Likely pathogenic (5). Last evaluated 2026-07-28.

Conditions:
PYGM-related disorder. Also called: PYGM-related condition.
Glycogen storage disease, type V (GSD5). Also called: MCARDLE DISEASE; MUSCLE GLYCOGEN PHOSPHORYLASE DEFICIENCY; MYOPHOSPHORYLASE DEFICIENCY; PYGM DEFICIENCY; McArdle type glycogen storage disease. Identifiers: Orphanet 368, MedGen C0017924, MONDO:0009293, OMIM 232600.

Allele frequency attached by ClinVar (database versions not stated): gnomAD exomes below 0.00001 and 0.00001; ExAC 0.00002; TOPMed 0.00001; gnomAD 0.00001; ESP Exome Variant Server 0.00008.
gnomAD v4.1: 9 of 1,614,010 alleles (0.00056%); highest among the groups gnomAD compares: East Asian, 0.0022%; no homozygotes.

Submissions (7):

Myriad Genetics, Inc.
Classification: Likely pathogenic for Glycogen storage disease, type V. Last evaluated: 2026-07-28. Review status: criteria provided, single submitter. Criteria: Myriad Autosomal Dominant, Autosomal Recessive and X-Linked Classification Criteria (2023). Collection method: clinical testing. Allele origin: unknown.
Comment: NM_005609.2(PYGM):c.1709G>A(R570Q) is a missense variant classified as likely pathogenic in the context of glycogen storage disease, PYGM-related. R570Q has been observed in cases with relevant disease (PMID: 17324573, 35465342). Relevant functional assessments of this variant are not available in the literature. Internal structural analysis of the variant is supportive of pathogenicity. R570Q has been observed in referenced population frequency databases. In summary, NM_005609.2(PYGM):c.1709G>A(R570Q) is a missense variant that has internal structural support for pathogenicity and has been observed more frequently in cases with the relevant disease than in healthy populations. Please note: this variant was assessed in the context of healthy population screening.

Labcorp Genetics (formerly Invitae), Labcorp
Classification: Pathogenic for Glycogen storage disease, type V. Last evaluated: 2025-10-07. Review status: criteria provided, single submitter. Criteria: Invitae Variant Classification Sherloc (09022015). Collection method: clinical testing. Allele origin: germline.
Comment: This sequence change replaces arginine, which is basic and polar, with glutamine, which is neutral and polar, at codon 570 of the PYGM protein (p.Arg570Gln). This variant is present in population databases (rs143550601, gnomAD 0.007%). This missense change has been observed in individual(s) with glycogen storage disease (PMID: 17324573). ClinVar contains an entry for this variant (Variation ID: 1520760). Invitae Evidence Modeling of protein sequence and biophysical properties (such as structural, functional, and spatial information, amino acid conservation, physicochemical variation, residue mobility, and thermodynamic stability) indicates that this missense variant is expected to disrupt PYGM protein function with a positive predictive value of 95%. This variant disrupts the p.Arg570 amino acid residue in PYGM. Other variant(s) that disrupt this residue have been observed in individuals with PYGM-related conditions (PMID: 17404776), which suggests that this may be a clinically significant amino acid residue. For these reasons, this variant has been classified as Pathogenic.

Variantyx, Inc.
Classification: Likely pathogenic for Glycogen storage disease, type V. Last evaluated: 2025-07-14. Review status: criteria provided, single submitter. Criteria: Variantyx Assertion Criteria 2022. Collection method: clinical testing. Allele origin: germline. Inheritance: Autosomal recessive inheritance. Affected: no.
Comment: This is a nonsynonymous variant in the PYGM gene (OMIM: 608455). Pathogenic variants in this gene have been associated with autosomal recessive McArdle disease. This variant has been identified in the homozygous or compound heterozygous state in, at least 2 individuals reported in the published literature (PMID: 35465342) (PM3). Multiple computational algorithms predict a deleterious effect for this variant (REVEL score: 0.941) (PP3) and an alternate amino acid change at this position (p.Arg570Trp) has been previously reported in similarly affected individuals, which suggests that this residue is biologically important (PMID: 17404776) (PM5). This variant has a 0.0022% maximum allele frequency in non-founder control populations (PM2). Based on the current evidence, this variant is classified as likely pathogenic for autosomal recessive McArdle disease.

Natera, Inc.
Classification: Likely pathogenic for Glycogen storage disease V. Last evaluated: 2025-06-27. Review status: criteria provided, single submitter. Criteria: Natera Variant Classification Schema (03/2026). Collection method: clinical testing. Allele origin: germline.
Comment: The c.1709G>A variant in PYGM is a missense variant predicted to cause substitution of arginine to glutamine at amino acid 570. This variant is rare in the general population with a frequency below the threshold expected for the associated phenotype(s). This variant has been observed in one or more individuals affected with the associated recessive disease, as either homozygous or compound heterozygous with a second variant (PMID: 35465342, 17324573). Computational prediction algorithms indicate this variant is likely to affect gene or protein function. Given the available evidence, this variant is classified as Likely Pathogenic.

3billion
Classification: Likely pathogenic for Glycogen storage disease, type V. Last evaluated: 2024-11-23. Review status: criteria provided, single submitter. Criteria: ACMG Guidelines, 2015. Collection method: clinical testing. Allele origin: germline. Affected: yes.
Comment: The variant is observed at an extremely low frequency in the gnomAD v4.1.0 dataset (total allele frequency: <0.001%). Predicted Consequence/Location: Missense variant. The majority of the known disease-causing variants of this gene are variants expected to result in premature termination of the protein. In silico tool predictions suggest damaging effect of the variant on gene or gene product [REVEL: 0.94 (>=0.6, sensitivity 0.68 and specificity 0.92); 3Cnet: 0.82 (>=0.6, sensitivity 0.72 and precision 0.9)]. The same nucleotide change resulting in the same amino acid change has been previously reported as pathogenic/likely pathogenic with strong evidence (ClinVar ID: VCV001520760 /PMID: 17324573 /3billion dataset). A different missense change at the same codon (p.Arg570Trp) has been reported as pathogenic/likely pathogenic with strong evidence (ClinVar ID: VCV000807666 /PMID: 17404776). Therefore, this variant is classified as Likely pathogenic according to the recommendation of ACMG/AMP guideline.

Blueprint Genetics
Classification: Pathogenic for PYGM-related disorders. Last evaluated: 2024-04-11. Review status: criteria provided, single submitter. Criteria: ACMG Guidelines, 2015. Collection method: clinical testing. Allele origin: germline. Affected: yes. Observed: 1 variant allele.

Baylor Genetics
Classification: Likely pathogenic for Glycogen storage disease, type V. Last evaluated: 2023-09-26. Review status: criteria provided, single submitter. Criteria: ACMG Guidelines, 2015. Collection method: clinical testing. Allele origin: unknown.

Literature cited by the submitters: PubMed 17324573 (cited by 4 submitters); PubMed 35465342 (cited by 3 submitters); PubMed 17404776 (cited by 3 submitters).